The following is an entry in ClinVar:

ClinVar aggregate classification (germline): Uncertain significance (1 of 4 stars; one submission).

Allele frequency attached by ClinVar (database versions not stated): TOPMed below 0.00001; gnomAD 0.00001; ExAC 0.00002; gnomAD exomes below 0.00001.
gnomAD v4.1: 6 of 1,589,438 alleles (0.00038%); highest among the groups gnomAD compares: Admixed American, 0.011%; no homozygotes.

Submission:

Labcorp Genetics (formerly Invitae), Labcorp
Classification: Uncertain significance. Last evaluated: 2025-02-25. Review status: criteria provided, single submitter. Criteria: Invitae Variant Classification Sherloc (09022015). Collection method: clinical testing. Allele origin: germline.
Comment: This sequence change affects codon 435 of the ERBIN mRNA. It is a 'silent' change, meaning that it does not change the encoded amino acid sequence of the ERBIN protein. It affects a nucleotide within the consensus splice site. This variant is present in population databases (rs754163910, gnomAD 0.01%). This variant has not been reported in the literature in individuals affected with ERBIN-related conditions. ClinVar contains an entry for this variant (Variation ID: 2919331). Algorithms developed to predict the effect of sequence changes on RNA splicing suggest that this variant is not likely to affect RNA splicing. In summary, the available evidence is currently insufficient to determine the role of this variant in disease. Therefore, it has been classified as a Variant of Uncertain Significance.

NM_001253697.2(ERBIN):c.1305T>C (p.Asp435=)

Gene: ERBIN (erbb2 interacting protein; plus strand). Cytogenetic location: 5q12.3.
Variant type: single nucleotide variant.
Coding change: c.1305T>C on transcript NM_001253697.2 (MANE Select); coding-DNA position 1305, T replaced by C.
Protein change: p.Asp435=; no amino-acid change (aspartic acid 435 retained).
Molecular consequence: synonymous variant.
Genome position (GRCh38, 1-based): chr5:66,038,481, T>C. VCF-style: chr5-66038481-T-C. GRCh37 (hg19) VCF-style: chr5-65334309-T-C.
Other names: c.1305T>C, p.Asp435= (NM_001006600.3, NM_001253698.2, NM_001253699.2 and 2 more transcripts).
Identifiers: ClinVar variation 2919331 (VCV002919331.3), dbSNP rs754163910, ClinGen allele CA3286213.